The following is an entry in ClinVar:

ClinVar aggregate classification (germline): Uncertain significance. Review status: criteria provided, multiple submitters, no conflicts (2 of 4 stars). 2 submissions from 2 submitters: Uncertain significance (2). Last evaluated 2024-04-24.

Conditions:
Hereditary cancer-predisposing syndrome. Also called: Neoplastic Syndromes, Hereditary; Tumor predisposition; Hereditary Cancer Syndrome; Hereditary neoplastic syndrome. Identifiers: Orphanet 140162, MedGen C0027672, MeSH D009386, MONDO:0015356.

Allele frequency attached by ClinVar (database versions not stated): TOPMed below 0.00001; gnomAD exomes 0.00002 and 0.00004; ExAC 0.00008.
gnomAD v4.1: 14 of 1,612,112 alleles (0.00087%); highest among the groups gnomAD compares: Non-Finnish European, 0.0012%; no homozygotes.

Submissions (2):

Labcorp Genetics (formerly Invitae), Labcorp
Classification: Uncertain significance. Last evaluated: 2024-04-24. Review status: criteria provided, single submitter. Criteria: Invitae Variant Classification Sherloc (09022015). Collection method: clinical testing. Allele origin: germline.
Comment: This sequence change replaces lysine, which is basic and polar, with arginine, which is basic and polar, at codon 218 of the HOXB13 protein (p.Lys218Arg). This variant is present in population databases (rs775613793, gnomAD 0.01%). This variant has not been reported in the literature in individuals affected with HOXB13-related conditions. ClinVar contains an entry for this variant (Variation ID: 483497). Advanced modeling of protein sequence and biophysical properties (such as structural, functional, and spatial information, amino acid conservation, physicochemical variation, residue mobility, and thermodynamic stability) performed at Invitae indicates that this missense variant is not expected to disrupt HOXB13 protein function with a negative predictive value of 80%. Algorithms developed to predict the effect of sequence changes on RNA splicing suggest that this variant may create or strengthen a splice site. In summary, the available evidence is currently insufficient to determine the role of this variant in disease. Therefore, it has been classified as a Variant of Uncertain Significance.

Ambry Genetics
Classification: Uncertain significance for Hereditary cancer-predisposing syndrome. Last evaluated: 2024-04-01. Review status: criteria provided, single submitter. Criteria: Ambry Variant Classification Scheme 2023. Collection method: clinical testing. Allele origin: germline.
Comment: The p.K218R variant (also known as c.653A>G), located in coding exon 2 of the HOXB13 gene, results from an A to G substitution at nucleotide position 653. The lysine at codon 218 is replaced by arginine, an amino acid with highly similar properties. In one study, that used in silico tools, this variant was predicted to be highly deleterious and damaging to the HOXB13 homeobox protein structure (Chandrasekaran G et al. Chem Biol Drug Des. 2017 Jan;[Epub ahead of print]). This amino acid position is highly conserved in available vertebrate species. In addition, the in silico prediction for this alteration is inconclusive. Since supporting evidence is limited at this time, the clinical significance of this alteration remains unclear.

Literature cited by the submitters: PubMed 28072499 (cited by Ambry Genetics).

NM_006361.6(HOXB13):c.653A>G (p.Lys218Arg)

Gene: HOXB13 (homeobox B13; minus strand). Cytogenetic location: 17q21.32.
Variant type: single nucleotide variant.
Coding change: c.653A>G on transcript NM_006361.6 (MANE Select); coding-DNA position 653, A replaced by G.
Protein change: p.Lys218Arg; replaces lysine 218 with arginine.
Molecular consequence: missense variant.
Genome position (GRCh38, 1-based): chr17:48,726,992, T>C on the plus strand (A>G on the coding strand, the complement: HOXB13 is on the minus strand). VCF-style: chr17-48726992-T-C. GRCh37 (hg19) VCF-style: chr17-46804354-T-C.
Other names: short protein forms K218R.
Identifiers: ClinVar variation 483497 (VCV000483497.14), dbSNP rs775613793, ClinGen allele CA8633931.